The following is an entry in ClinVar:

ClinVar aggregate classification (germline): Uncertain significance (1 of 4 stars; one submission).

Allele frequency attached by ClinVar (database versions not stated): gnomAD exomes below 0.00001; TOPMed below 0.00001; gnomAD 0.00001.
gnomAD v4.1: 6 of 1,614,018 alleles (0.00037%); highest among the groups gnomAD compares: Admixed American, 0.005%; no homozygotes.

Submission:

Labcorp Genetics (formerly Invitae), Labcorp
Classification: Uncertain significance. Last evaluated: 2023-08-23. Review status: criteria provided, single submitter. Criteria: Invitae Variant Classification Sherloc (09022015). Collection method: clinical testing. Allele origin: germline.
Comment: In summary, the available evidence is currently insufficient to determine the role of this variant in disease. Therefore, it has been classified as a Variant of Uncertain Significance. Advanced modeling of protein sequence and biophysical properties (such as structural, functional, and spatial information, amino acid conservation, physicochemical variation, residue mobility, and thermodynamic stability) performed at Invitae indicates that this missense variant is not expected to disrupt COMP protein function. This variant has not been reported in the literature in individuals affected with COMP-related conditions. The frequency data for this variant in the population databases is considered unreliable, as metrics indicate poor data quality at this position in the gnomAD database. This sequence change replaces glutamine, which is neutral and polar, with histidine, which is basic and polar, at codon 663 of the COMP protein (p.Gln663His).

NM_000095.3(COMP):c.1989G>C (p.Gln663His)

Gene: COMP (cartilage oligomeric matrix protein; minus strand). Cytogenetic location: 19p13.11.
Variant type: single nucleotide variant.
Coding change: c.1989G>C on transcript NM_000095.3 (MANE Select); coding-DNA position 1989, G replaced by C.
Protein change: p.Gln663His; replaces glutamine 663 with histidine.
Molecular consequence: missense variant.
Genome position (GRCh38, 1-based): chr19:18,784,289, C>G on the plus strand (G>C on the coding strand, the complement: COMP is on the minus strand). VCF-style: chr19-18784289-C-G. GRCh37 (hg19) VCF-style: chr19-18895099-C-G.
Other names: short protein forms Q663H.
Identifiers: ClinVar variation 2892650 (VCV002892650.3), dbSNP rs1009569574, ClinGen allele CA306252961.